The following is an entry in ClinVar:

ClinVar aggregate classification (germline): Uncertain significance. Review status: criteria provided, multiple submitters, no conflicts (2 of 4 stars). 4 submissions from 4 submitters: Uncertain significance (4). Last evaluated 2026-08-13.

Conditions:
IMPG2-related disorder. Also called: IMPG2-related condition.
Inborn genetic diseases. Identifiers: MedGen C0950123, MeSH D030342.

Allele frequency attached by ClinVar (database versions not stated): gnomAD exomes below 0.00001 and 0.00001; ExAC 0.00002; gnomAD 0.00006 and 0.00008; TOPMed 0.00010.
gnomAD v4.1: 17 of 1,606,178 alleles (0.0011%); highest among the groups gnomAD compares: African/African-American, 0.015%; no homozygotes.

Submissions (4):

PreventionGenetics, part of Exact Sciences
Classification: Uncertain significance for IMPG2-related condition. Last evaluated: 2026-08-13. Review status: criteria provided, single submitter. Criteria: ACMG Guidelines, 2015. Collection method: clinical testing. Allele origin: germline.
Comment: The IMPG2 c.1814C>A variant is predicted to result in the amino acid substitution p.Ser605Tyr. To our knowledge, this variant has not been reported in the literature. This variant is reported in 0.012% of alleles in individuals of African descent in gnomAD. At this time, the clinical significance of this variant is uncertain due to the absence of conclusive functional and genetic evidence.

Labcorp Genetics (formerly Invitae), Labcorp
Classification: Uncertain significance. Last evaluated: 2025-11-05. Review status: criteria provided, single submitter. Criteria: Invitae Variant Classification Sherloc (09022015). Collection method: clinical testing. Allele origin: germline.
Comment: This sequence change replaces serine, which is neutral and polar, with tyrosine, which is neutral and polar, at codon 605 of the IMPG2 protein (p.Ser605Tyr). This variant is present in population databases (rs751812689, gnomAD 0.01%). This variant has not been reported in the literature in individuals affected with IMPG2-related conditions. ClinVar contains an entry for this variant (Variation ID: 1059631). Invitae Evidence Modeling of protein sequence and biophysical properties (such as structural, functional, and spatial information, amino acid conservation, physicochemical variation, residue mobility, and thermodynamic stability) indicates that this missense variant is expected to disrupt IMPG2 protein function with a positive predictive value of 80%. In summary, the available evidence is currently insufficient to determine the role of this variant in disease. Therefore, it has been classified as a Variant of Uncertain Significance.

Ambry Genetics
Classification: Uncertain significance for Inborn genetic diseases. Last evaluated: 2023-03-02. Review status: criteria provided, single submitter. Criteria: Ambry Variant Classification Scheme 2023. Collection method: clinical testing. Allele origin: germline.

Blueprint Genetics
Classification: Uncertain significance. Last evaluated: 2019-12-09. Review status: criteria provided, single submitter. Criteria: ACMG Guidelines, 2015. Collection method: clinical testing. Allele origin: germline.

NM_016247.4(IMPG2):c.1814C>A (p.Ser605Tyr)

Gene: IMPG2 (interphotoreceptor matrix proteoglycan 2; minus strand). Cytogenetic location: 3q12.3.
Variant type: single nucleotide variant.
Coding change: c.1814C>A on transcript NM_016247.4 (MANE Select); coding-DNA position 1814, C replaced by A.
Protein change: p.Ser605Tyr; replaces serine 605 with tyrosine.
Molecular consequence: missense variant.
Genome position (GRCh38, 1-based): chr3:101,244,517, G>T on the plus strand (C>A on the coding strand, the complement: IMPG2 is on the minus strand). VCF-style: chr3-101244517-G-T. GRCh37 (hg19) VCF-style: chr3-100963361-G-T.
Other names: c.1814C>A (NM_016247.3); short protein forms S605Y.
Identifiers: ClinVar variation 1059631 (VCV001059631.10), dbSNP rs751812689, ClinGen allele CA2519086.